The following is an entry in ClinVar:

NM_000038.6(APC):c.5699T>C (p.Leu1900Pro)

Gene: APC (APC regulator of Wnt signaling pathway; plus strand). Cytogenetic location: 5q22.2.
Variant type: single nucleotide variant.
Coding change: c.5699T>C on transcript NM_000038.6 (MANE Select); coding-DNA position 5699, T replaced by C.
Protein change: p.Leu1900Pro; replaces leucine 1900 with proline.
Molecular consequence: missense variant. On other transcripts: non-coding transcript variant (2).
Genome position (GRCh38, 1-based): chr5:112,841,293, T>C. VCF-style: chr5-112841293-T-C. GRCh37 (hg19) VCF-style: chr5-112176990-T-C.
Other names: c.5699T>C, p.Leu1900Pro (NM_001354895.2, NM_001127510.3, NM_001407450.1); c.5753T>C, p.Leu1918Pro (NM_001354896.2, NM_001407447.1, NM_001407448.1 and 1 more transcripts); c.5729T>C, p.Leu1910Pro (NM_001354897.2); c.5624T>C, p.Leu1875Pro (NM_001354898.2); c.5426T>C, p.Leu1809Pro (NM_001354902.2); c.5522T>C, p.Leu1841Pro (NM_001354901.2, NM_001407453.1); c.5615T>C, p.Leu1872Pro (NM_001354899.2); c.5396T>C, p.Leu1799Pro (NM_001354903.2, NM_001407458.1, NM_001407459.1 and 1 more transcripts); and 11 more; short protein forms L1516P, L1740P, L1809P, L1817P, L1872P, L1882P, L1799P, L1859P.
Identifiers: ClinVar variation 2811050 (VCV002811050.3), dbSNP rs1766014920, ClinGen allele CA16033808.

ClinVar aggregate classification (germline): Uncertain significance (1 of 4 stars; one submission).

Conditions:
Familial adenomatous polyposis 1 (FAP1). Also called: FAMILIAL ADENOMATOUS POLYPOSIS 1, ATTENUATED; POLYPOSIS, ADENOMATOUS INTESTINAL. Identifiers: MedGen C2713442, MONDO:0021056, OMIM 175100. Disease mechanism: loss of function.

Submission:

Labcorp Genetics (formerly Invitae), Labcorp
Classification: Uncertain significance for Familial adenomatous polyposis 1. Last evaluated: 2022-10-31. Review status: criteria provided, single submitter. Criteria: Invitae Variant Classification Sherloc (09022015). Collection method: clinical testing. Allele origin: germline.
Comment: This sequence change replaces leucine, which is neutral and non-polar, with proline, which is neutral and non-polar, at codon 1900 of the APC protein (p.Leu1900Pro). This variant is not present in population databases (gnomAD no frequency). This variant has not been reported in the literature in individuals affected with APC-related conditions. Advanced modeling of protein sequence and biophysical properties (such as structural, functional, and spatial information, amino acid conservation, physicochemical variation, residue mobility, and thermodynamic stability) performed at Invitae indicates that this missense variant is not expected to disrupt APC protein function. In summary, the available evidence is currently insufficient to determine the role of this variant in disease. Therefore, it has been classified as a Variant of Uncertain Significance.